The following is an entry in ClinVar:

ClinVar aggregate classification (germline): Uncertain significance (1 of 4 stars; one submission).

Submission:

Labcorp Genetics (formerly Invitae), Labcorp
Classification: Uncertain significance. Last evaluated: 2022-08-09. Review status: criteria provided, single submitter. Criteria: Invitae Variant Classification Sherloc (09022015). Collection method: clinical testing. Allele origin: germline.
Comment: In summary, the available evidence is currently insufficient to determine the role of this variant in disease. Therefore, it has been classified as a Variant of Uncertain Significance. Algorithms developed to predict the effect of missense changes on protein structure and function (SIFT, PolyPhen-2, Align-GVGD) all suggest that this variant is likely to be tolerated. This variant has not been reported in the literature in individuals affected with MNX1-related conditions. This variant is not present in population databases (gnomAD no frequency). This sequence change replaces glycine, which is neutral and non-polar, with aspartic acid, which is acidic and polar, at codon 324 of the MNX1 protein (p.Gly324Asp).

NM_005515.4(MNX1):c.971G>A (p.Gly324Asp)

Gene: MNX1 (motor neuron and pancreas homeobox 1; minus strand). Cytogenetic location: 7q36.3.
Variant type: single nucleotide variant.
Coding change: c.971G>A on transcript NM_005515.4 (MANE Select); coding-DNA position 971, G replaced by A.
Protein change: p.Gly324Asp; replaces glycine 324 with aspartic acid.
Molecular consequence: missense variant.
Genome position (GRCh38, 1-based): chr7:157,005,755, C>T on the plus strand (G>A on the coding strand, the complement: MNX1 is on the minus strand). VCF-style: chr7-157005755-C-T. GRCh37 (hg19) VCF-style: chr7-156798449-C-T.
Other names: c.335G>A, p.Gly112Asp (NM_001165255.2); short protein forms G112D, G324D.
Identifiers: ClinVar variation 1715788 (VCV001715788.5), dbSNP rs2537771918, ClinGen allele CA370161728.